The following is an entry in ClinVar:

NM_000214.3(JAG1):c.500G>C (p.Trp167Ser)

Gene: JAG1 (jagged canonical Notch ligand 1; minus strand). Cytogenetic location: 20p12.2.
Variant type: single nucleotide variant.
Coding change: c.500G>C on transcript NM_000214.3 (MANE Select); coding-DNA position 500, G replaced by C.
Protein change: p.Trp167Ser; replaces tryptophan 167 with serine.
Molecular consequence: missense variant.
Genome position (GRCh38, 1-based): chr20:10,658,662, C>G on the plus strand (G>C on the coding strand, the complement: JAG1 is on the minus strand). VCF-style: chr20-10658662-C-G. GRCh37 (hg19) VCF-style: chr20-10639310-C-G.
Other names: short protein forms W167S.
Identifiers: ClinVar variation 3573045 (VCV003573045.2).
Genomic context (GRCh38, chr20:10,658,662, plus strand): 5'-CAGGTCACGCGGATCTGATACTCAAAGTGGGCAACGCCCGTGTTCTGCTTCAGCGTCTGC[C>G]ACTGCCGGCTGGGGTTGATCATGCCCGAGTGAGAAGCCTTTTCAATAATACTGTCAGGTT-3'
Protein context (NP_000205.1, residues 157-177): HSGMINPSRQ[Trp167Ser]QTLKQNTGVA

Conditions:
Arteriohepatic dysplasia. Also called: Alagille Syndrome. Identifiers: Orphanet 52, MedGen C0085280, MeSH D016738, MONDO:0007318.

Submission:

Gilbert/Spinner Lab, Children's Hospital of Philadelphia
No classification provided (evidence only). Condition: Alagille syndrome. Review status: no classification provided. Collection method: research. Allele origin: not applicable. Functional consequence: functionally_abnormal.
ClinVar note: "not provided" was previously submitted as the classification for the variant. However, the classification appeared to be based only on an observation of functional data so it was converted to no classification on 2025-07-30.